The following is an entry in ClinVar:

ClinVar aggregate classification (germline): Uncertain significance (1 of 4 stars; one submission).

Submission:

Ambry Genetics
Classification: Uncertain significance. Last evaluated: 2021-02-02. Review status: criteria provided, single submitter. Criteria: Ambry Variant Classification Scheme 2023. Collection method: clinical testing. Allele origin: germline.
Comment: The p.F1621L variant (also known as c.4863T>G), located in coding exon 43 of the KIF1B gene, results from a T to G substitution at nucleotide position 4863. The phenylalanine at codon 1621 is replaced by leucine, an amino acid with highly similar properties. This amino acid position is highly conserved in available vertebrate species. In addition, this alteration is predicted to be tolerated by in silico analysis. Since supporting evidence is limited at this time, the clinical significance of this alteration remains unclear.

NM_001365951.3(KIF1B):c.5001T>G (p.Phe1667Leu)

Gene: KIF1B (kinesin family member 1B; plus strand). Cytogenetic location: 1p36.22.
Variant type: single nucleotide variant.
Coding change: c.5001T>G on transcript NM_001365951.3 (MANE Select); coding-DNA position 5001, T replaced by G.
Protein change: p.Phe1667Leu; replaces phenylalanine 1667 with leucine.
Molecular consequence: missense variant.
Genome position (GRCh38, 1-based): chr1:10,374,370, T>G. VCF-style: chr1-10374370-T-G. GRCh37 (hg19) VCF-style: chr1-10434428-T-G.
Other names: c.5001T>G, p.Phe1667Leu (NM_001365952.1); c.4863T>G, p.Phe1621Leu (NM_015074.3); short protein forms F1621L, F1667L.
Identifiers: ClinVar variation 1743658 (VCV001743658.2), dbSNP rs780718944, ClinGen allele CA338329036.